The following is an entry in ClinVar:

Conditions:
Breast-ovarian cancer, familial, susceptibility to, 1 (BROVCA1). Also called: BRCA1 Hereditary Breast and Ovarian Cancer; OVARIAN CANCER, SUSCEPTIBILITY TO. Identifiers: Orphanet 145, MedGen C2676676, MONDO:0011450, OMIM 604370. Disease mechanism: loss of function.

Submission:

Brotman Baty Institute, University of Washington
No classification provided (evidence only). Condition: Breast-ovarian cancer, familial 1. Review status: no classification provided. Collection method: in vitro. Allele origin: not applicable. Functional consequence: functionally_normal.
ClinVar note: "not provided" was previously submitted as the classification for the variant. However, the classification appeared to be based only on an observation of functional data so it was converted to no classification on 2025-07-30.

NM_007294.4(BRCA1):c.134+22G>C

Gene: BRCA1 (BRCA1 DNA repair associated; minus strand). Cytogenetic location: 17q21.31.
Variant type: single nucleotide variant.
Coding change: c.134+22G>C on transcript NM_007294.4 (MANE Select); 22 bases into the intron after coding-DNA position 134, G replaced by C.
Molecular consequence: intron variant.
Genome position (GRCh38, 1-based): chr17:43,115,704, C>G on the plus strand (G>C on the coding strand, the complement: BRCA1 is on the minus strand). VCF-style: chr17-43115704-C-G. GRCh37 (hg19) VCF-style: chr17-41267721-C-G.
Other names: c.-8+22G>C (NM_001408458.1, NM_001408470.1, NM_001407848.1 and 47 more transcripts); c.-219+9573G>C (NM_001407967.1); c.-170+9573G>C (NM_001407959.1); c.-7-9171G>C (NM_001407931.1, NM_001407747.1, NM_001408511.1 and 2 more transcripts); c.-170+22G>C (NM_001407962.1, NM_001408512.1, NM_001408510.1 and 1 more transcripts); c.-55+22G>C (NM_001407885.1, NM_001407886.1, NM_001408509.1 and 52 more transcripts); c.-124+22G>C (NM_001407746.1, NM_001408468.1, NM_001407842.1 and 13 more transcripts); c.-8+8313G>C (NM_001408461.1, NM_001407738.1, NM_001407932.1 and 23 more transcripts); and 10 more.
Identifiers: ClinVar variation 865175 (VCV000865175.3), dbSNP rs2055237368, ClinGen allele CA916080939.